The following is an entry in ClinVar:

NM_018474.6(KIZ):c.595C>T (p.Gln199Ter)

Gene: KIZ (kizuna centrosomal protein; plus strand). Cytogenetic location: 20p11.23.
Variant type: single nucleotide variant.
Coding change: c.595C>T on transcript NM_018474.6 (MANE Select); coding-DNA position 595, C replaced by T.
Protein change: p.Gln199Ter; replaces glutamine 199 with a stop codon.
Molecular consequence: nonsense.
Genome position (GRCh38, 1-based): chr20:21,162,060, C>T. VCF-style: chr20-21162060-C-T. GRCh37 (hg19) VCF-style: chr20-21142701-C-T.
Other names: c.286C>T, p.Gln96Ter (NM_001163022.3, NM_001352435.2); c.196C>T, p.Gln66Ter (NM_001163023.3); c.448C>T, p.Gln150Ter (NM_001276389.2); c.595C>T, p.Gln199Ter (NM_001352434.2); c.253C>T, p.Gln85Ter (NM_001352436.2); short protein forms Q150*, Q199*, Q66*, Q85*, Q96*.
Identifiers: ClinVar variation 1076831 (VCV001076831.8), dbSNP rs199700362, ClinGen allele CA9784674.

ClinVar aggregate classification (germline): Pathogenic/Likely pathogenic. Review status: criteria provided, multiple submitters, no conflicts (2 of 4 stars). 2 submissions from 2 submitters: Pathogenic (1); Likely pathogenic (1). Last evaluated 2025-12-10.

Conditions:
KIZ-related disorder. Also called: KIZ-related condition.

Allele frequency attached by ClinVar (database versions not stated): gnomAD exomes 0.00001 and 0.00006; ExAC 0.00002; gnomAD 0.00002; TOPMed 0.00002; ESP Exome Variant Server 0.00008.
gnomAD v4.1: 95 of 1,613,688 alleles (0.0059%); highest among the groups gnomAD compares: Non-Finnish European, 0.0079%; no homozygotes.

Submissions (2):

Labcorp Genetics (formerly Invitae), Labcorp
Classification: Pathogenic. Last evaluated: 2025-12-10. Review status: criteria provided, single submitter. Criteria: Invitae Variant Classification Sherloc (09022015). Collection method: clinical testing. Allele origin: germline.
Comment: This sequence change creates a premature translational stop signal (p.Gln199*) in the KIZ gene. It is expected to result in an absent or disrupted protein product. Loss-of-function variants in KIZ are known to be pathogenic (PMID: 24680887, 29057815). This variant is present in population databases (rs199700362, gnomAD 0.004%). This variant has not been reported in the literature in individuals affected with KIZ-related conditions. ClinVar contains an entry for this variant (Variation ID: 1076831). For these reasons, this variant has been classified as Pathogenic.

Blueprint Genetics
Classification: Likely pathogenic for KIZ-related disorders. Last evaluated: 2024-02-27. Review status: criteria provided, single submitter. Criteria: ACMG Guidelines, 2015. Collection method: clinical testing. Allele origin: germline. Affected: yes. Observed: 4 variant alleles.

Literature cited by the submitters: PubMed 24680887 (cited by Labcorp Genetics (formerly Invitae), Labcorp); PubMed 29057815 (cited by Labcorp Genetics (formerly Invitae), Labcorp).